The following is an entry in ClinVar:

ClinVar aggregate classification (germline): Pathogenic (1 of 4 stars; one submission).

Submission:

Genetics Laboratory, UDIAT-Centre Diagnòstic, Hospital Universitari Parc Tauli
Classification: Pathogenic. Last evaluated: 2021-04-26. Review status: criteria provided, single submitter. Criteria: Parc Tauli Hospital Assertion Criteria 2021. Collection method: clinical testing. Allele origin: de novo. Inheritance: Autosomal dominant inheritance. Affected: yes. Observed: 1 heterozygote.
Comment: PVS1_very strong;PM2_supporting;PM6_moderate

NM_001197104.2(KMT2A):c.2452A>T (p.Lys818Ter)

Gene: KMT2A (lysine methyltransferase 2A; plus strand). Cytogenetic location: 11q23.3.
Variant type: single nucleotide variant.
Coding change: c.2452A>T on transcript NM_001197104.2 (MANE Select); coding-DNA position 2452, A replaced by T.
Protein change: p.Lys818Ter; replaces lysine 818 with a stop codon.
Molecular consequence: nonsense.
Genome position (GRCh38, 1-based): chr11:118,473,611, A>T. VCF-style: chr11-118473611-A-T. GRCh37 (hg19) VCF-style: chr11-118344326-A-T.
Other names: c.2452A>T, p.Lys818Ter (NM_005933.4); short protein forms K818*.
Identifiers: ClinVar variation 1098356 (VCV001098356.2), dbSNP rs2134268866, ClinGen allele CA382815412.
Genomic context (GRCh38, chr11:118,473,611, plus strand): 5'-TTTCCTTCTCATTCCCTGACTCAGTCTGGGGAATCTGCAGAGAAAAATCAGAGACCAAGG[A>T]AGCAGACTAGTGCTCCGGCAGAGCCATTTTCATCAAGTAGTCCTACTCCTCTCTTCCCTT-3'